The following is an entry in ClinVar:

NM_000465.4(BARD1):c.946T>G (p.Leu316Val)

Gene: BARD1 (BRCA1 associated RING domain 1; minus strand). Cytogenetic location: 2q35.
Variant type: single nucleotide variant.
Coding change: c.946T>G on transcript NM_000465.4 (MANE Select); coding-DNA position 946, T replaced by G.
Protein change: p.Leu316Val; replaces leucine 316 with valine.
Molecular consequence: missense variant. On other transcripts: non-coding transcript variant (2), intron variant (3).
Genome position (GRCh38, 1-based): chr2:214,780,928, A>C on the plus strand (T>G on the coding strand, the complement: BARD1 is on the minus strand). VCF-style: chr2-214780928-A-C. GRCh37 (hg19) VCF-style: chr2-215645652-A-C.
Other names: c.889T>G, p.Leu297Val (NM_001282543.2); c.159-28373T>G (NM_001282548.2); c.215+16133T>G (NM_001282545.2); c.364+11369T>G (NM_001282549.2); short protein forms L316V, L297V.
Identifiers: ClinVar variation 142233 (VCV000142233.28), dbSNP rs587782325, ClinGen allele CA167816.

ClinVar aggregate classification (germline): Conflicting classifications of pathogenicity. Review status: criteria provided, conflicting classifications (1 of 4 stars). 7 submissions from 7 submitters: Uncertain significance (5); Likely benign (2). Last evaluated 2026-01-26.

Conditions:
Hereditary cancer-predisposing syndrome. Also called: Neoplastic Syndromes, Hereditary; Tumor predisposition; Hereditary Cancer Syndrome; Hereditary neoplastic syndrome. Identifiers: Orphanet 140162, MedGen C0027672, MeSH D009386, MONDO:0015356.
Familial cancer of breast. Also called: BREAST CANCER, FAMILIAL; Hereditary breast cancer; hereditary breast carcinoma. Identifiers: Orphanet 227535, MedGen C0346153, MONDO:0016419, OMIM 114480. Disease mechanism: loss of function.

Allele frequency attached by ClinVar (database versions not stated): gnomAD exomes below 0.00001 and 0.00002; ExAC 0.00002; gnomAD 0.00005 and 0.00007; TOPMed 0.00006.
gnomAD v4.1: 12 of 1,613,864 alleles (0.00074%); highest among the groups gnomAD compares: African/African-American, 0.016%; no homozygotes.

Submissions (7):

Labcorp Genetics (formerly Invitae), Labcorp
Classification: Uncertain significance for Familial cancer of breast. Last evaluated: 2026-01-26. Review status: criteria provided, single submitter. Criteria: Invitae Variant Classification Sherloc (09022015). Collection method: clinical testing. Allele origin: germline.
Comment: This sequence change replaces leucine, which is neutral and non-polar, with valine, which is neutral and non-polar, at codon 316 of the BARD1 protein (p.Leu316Val). This variant is present in population databases (rs587782325, gnomAD 0.02%). This missense change has been observed in individual(s) with unspecified cancer and breast cancer (PMID: 28873162, 36315513). ClinVar contains an entry for this variant (Variation ID: 142233). An algorithm developed to predict the effect of missense changes on protein structure and function outputs the following: PolyPhen-2: "Benign". The valine amino acid residue is found in multiple mammalian species, which suggests that this missense change does not adversely affect protein function. In summary, the available evidence is currently insufficient to determine the role of this variant in disease. Therefore, it has been classified as a Variant of Uncertain Significance.

Ambry Genetics
Classification: Likely benign for Hereditary cancer-predisposing syndrome. Last evaluated: 2025-06-06. Review status: criteria provided, single submitter. Criteria: Ambry Variant Classification Scheme 2023. Collection method: clinical testing. Allele origin: germline.

Myriad Genetics, Inc.
Classification: Likely benign for Familial cancer of breast. Last evaluated: 2024-07-23. Review status: criteria provided, single submitter. Criteria: Myriad Autosomal Dominant, Autosomal Recessive and X-Linked Classification Criteria (2023). Collection method: clinical testing. Allele origin: unknown.
Comment: This variant is considered likely benign. This variant is strongly associated with less severe personal and family histories of cancer, typical for individuals without pathogenic variants in this gene [PMID: 25085752].

Color Diagnostics, LLC DBA Color Health
Classification: Uncertain significance for Hereditary cancer-predisposing syndrome. Last evaluated: 2022-11-16. Review status: criteria provided, single submitter. Criteria: ACMG Guidelines, 2015. Collection method: clinical testing. Allele origin: germline.
Comment: This missense variant replaces leucine with valine at codon 316 of the BARD1 protein. Computational prediction suggests that this variant may not impact protein structure and function (internally defined REVEL score threshold <= 0.5, PMID: 27666373). To our knowledge, functional studies have not been reported for this variant. This variant has not been reported in individuals affected with BARD1-related disorders in the literature but has been observed in an unaffected control individual (PMID: 26315354). This variant has been identified in 6/282234 chromosomes in the general population by the Genome Aggregation Database (gnomAD). The available evidence is insufficient to determine the role of this variant in disease conclusively. Therefore, this variant is classified as a Variant of Uncertain Significance.

GeneDx
Classification: Uncertain significance. Last evaluated: 2022-07-22. Review status: criteria provided, single submitter. Criteria: GeneDx Variant Classification Process June 2021. Collection method: clinical testing. Allele origin: germline. Affected: yes.
Comment: In silico analysis supports that this missense variant does not alter protein structure/function; Observed in an individual with advanced cancer (Mandelker et al., 2017); This variant is associated with the following publications: (PMID: 28873162)

Sema4
Classification: Uncertain significance for Hereditary cancer-predisposing syndrome. Last evaluated: 2021-10-29. Review status: criteria provided, single submitter. Criteria: Sema4 Curation Guidelines. Collection method: curation. Allele origin: germline.
Comment: The BARD1 c.946T>G (p.L316V) variant has been reported in at least one individual with advanced cancer (PMID: 28873162). It was observed in 6/24030 chromosomes of the African/African American subpopulation in the large and broad cohorts of the Genome Aggregation Database (PMID: 32461654). The variant has been reported in ClinVar (Variation ID 142233). In silico tools suggest the impact of the variant on protein function is benign though these predictions have not been confirmed by functional studies. The evidence is insufficient to meet ACMG/AMP criteria for classifying the variant as benign or pathogenic. Thus, the clinical significance of this variant is currently uncertain.

Quest Diagnostics Nichols Institute San Juan Capistrano
Classification: Uncertain significance. Last evaluated: 2020-05-29. Review status: criteria provided, single submitter. Criteria: Quest Diagnostics criteria. Collection method: clinical testing. Allele origin: unknown.
Comment: In the published literature, this variant has been reported in a cohort of individuals undergoing an advanced cancer screening (PMID: 30422164 (2018)), and in a cohort of individuals with unspecified cancers (PMID: 28873162 (2017)). The frequency of this variant in the general population, 0.00024 (6/24916 chromosomes in African/African American subpopulation (Genome Aggregation Database)), is higher than would generally be expected for pathogenic variants in this gene. Analysis of this variant using bioinformatics tools for the prediction of the effect of amino acid changes on protein structure and function yielded predictions that this variant is benign. Based on the available information, we are unable to determine the clinical significance of this variant.

Literature cited by the submitters: PubMed 28873162 (cited by 3 submitters); PubMed 36315513 (cited by Labcorp Genetics (formerly Invitae), Labcorp); PubMed 25085752 (cited by Myriad Genetics, Inc.); PubMed 26315354 (cited by Color Diagnostics, LLC DBA Color Health); PubMed 30422164 (cited by Quest Diagnostics Nichols Institute San Juan Capistrano).